The following is an entry in ClinVar:

ClinVar aggregate classification (germline): Uncertain significance. Review status: criteria provided, multiple submitters, no conflicts (2 of 4 stars). 2 submissions from 2 submitters: Uncertain significance (2). Last evaluated 2025-01-08.

Conditions:
Cohen syndrome (COH1). Also called: PEPPER SYNDROME; Cutis verticis gyrata, retinitis pigmentosa, and sensorineural deafness. Identifiers: Orphanet 193, MedGen C0265223, MONDO:0008999, OMIM 216550.
Inborn genetic diseases. Identifiers: MedGen C0950123, MeSH D030342.

Allele frequency attached by ClinVar (database versions not stated): gnomAD exomes below 0.00001.
gnomAD v4.1: 6 of 1,613,870 alleles (0.00037%); highest among the groups gnomAD compares: South Asian, 0.0022%; no homozygotes.

Submissions (2):

Ambry Genetics
Classification: Uncertain significance for Inborn genetic diseases. Last evaluated: 2025-01-08. Review status: criteria provided, single submitter. Criteria: Ambry Variant Classification Scheme 2023. Collection method: clinical testing. Allele origin: germline.

Labcorp Genetics (formerly Invitae), Labcorp
Classification: Uncertain significance for Cohen syndrome. Last evaluated: 2022-08-11. Review status: criteria provided, single submitter. Criteria: Invitae Variant Classification Sherloc (09022015). Collection method: clinical testing. Allele origin: germline.
Comment: This sequence change replaces serine, which is neutral and polar, with leucine, which is neutral and non-polar, at codon 3617 of the VPS13B protein (p.Ser3617Leu). This variant is not present in population databases (gnomAD no frequency). This variant has not been reported in the literature in individuals affected with VPS13B-related conditions. Algorithms developed to predict the effect of missense changes on protein structure and function are either unavailable or do not agree on the potential impact of this missense change (SIFT: "Not Available"; PolyPhen-2: "Benign"; Align-GVGD: "Not Available"). In summary, the available evidence is currently insufficient to determine the role of this variant in disease. Therefore, it has been classified as a Variant of Uncertain Significance.

NM_152564.5(VPS13B):c.10775C>T (p.Ser3592Leu)

Gene: VPS13B (vacuolar protein sorting 13 homolog B; plus strand). Cytogenetic location: 8q22.2.
Variant type: single nucleotide variant.
Coding change: c.10775C>T on transcript NM_152564.5 (MANE Select); coding-DNA position 10775, C replaced by T.
Protein change: p.Ser3592Leu; replaces serine 3592 with leucine.
Molecular consequence: missense variant.
Genome position (GRCh38, 1-based): chr8:99,854,164, C>T. VCF-style: chr8-99854164-C-T. GRCh37 (hg19) VCF-style: chr8-100866392-C-T.
Other names: c.10850C>T, p.Ser3617Leu (NM_017890.5); c.10850C>T (NM_017890.3); short protein forms S3592L, S3617L.
Identifiers: ClinVar variation 2037194 (VCV002037194.2), dbSNP rs2492240729, ClinGen allele CA371785966.